The following is an entry in ClinVar:

ClinVar aggregate classification (germline): Uncertain significance. Review status: criteria provided, multiple submitters, no conflicts (2 of 4 stars). 2 submissions from 2 submitters: Uncertain significance (2). Last evaluated 2023-06-20.

Conditions:
REST-related disorder. Also called: REST-related condition.

Allele frequency attached by ClinVar (database versions not stated): TOPMed 0.00001; ExAC 0.00002; gnomAD exomes 0.00002.
gnomAD v4.1: 5 of 1,614,160 alleles (0.00031%); highest among the groups gnomAD compares: Admixed American, 0.0083%; no homozygotes.

Submissions (2):

PreventionGenetics, part of Exact Sciences
Classification: Uncertain significance for REST-related condition. Last evaluated: 2023-06-20. Review status: criteria provided, single submitter. Criteria: ACMG Guidelines, 2015. Collection method: clinical testing. Allele origin: germline.
Comment: The REST c.614C>T variant is predicted to result in the amino acid substitution p.Thr205Ile. To our knowledge, this variant has not been reported in the literature. This variant is reported in 0.012% of alleles in individuals of Latino descent in gnomAD. At this time, the clinical significance of this variant is uncertain due to the absence of conclusive functional and genetic evidence.

Labcorp Genetics (formerly Invitae), Labcorp
Classification: Uncertain significance. Last evaluated: 2022-09-09. Review status: criteria provided, single submitter. Criteria: Invitae Variant Classification Sherloc (09022015). Collection method: clinical testing. Allele origin: germline.
Comment: ClinVar contains an entry for this variant (Variation ID: 1428170). In summary, the available evidence is currently insufficient to determine the role of this variant in disease. Therefore, it has been classified as a Variant of Uncertain Significance. Algorithms developed to predict the effect of missense changes on protein structure and function (SIFT, PolyPhen-2, Align-GVGD) all suggest that this variant is likely to be tolerated. This variant has not been reported in the literature in individuals affected with REST-related conditions. This variant is present in population databases (rs773458977, gnomAD 0.01%). This sequence change replaces threonine, which is neutral and polar, with isoleucine, which is neutral and non-polar, at codon 205 of the REST protein (p.Thr205Ile).

NM_005612.5(REST):c.614C>T (p.Thr205Ile)

Gene: REST (RE1 silencing transcription factor; plus strand). Cytogenetic location: 4q12.
Variant type: single nucleotide variant.
Coding change: c.614C>T on transcript NM_005612.5 (MANE Select); coding-DNA position 614, C replaced by T.
Protein change: p.Thr205Ile; replaces threonine 205 with isoleucine.
Molecular consequence: missense variant.
Genome position (GRCh38, 1-based): chr4:56,911,252, C>T. VCF-style: chr4-56911252-C-T. GRCh37 (hg19) VCF-style: chr4-57777418-C-T.
Other names: c.614C>T, p.Thr205Ile (NM_001193508.2, NM_001363453.3); short protein forms T205I.
Identifiers: ClinVar variation 1428170 (VCV001428170.6), dbSNP rs773458977, ClinGen allele CA2932131.
Genomic context (GRCh38, chr4:56,911,252, plus strand): 5'-AATTTTTTGTGGAAGAGAGTGCAGAGAAGCAGGCAAAAGCCAGGGAATCTGGCTCTTCCA[C>T]TGCAGAAGAGGGAGATTTCTCCAAGGGCCCCATTCGCTGTGACCGCTGCGGCTACAATAC-3'
Protein context (NP_005603.3, residues 195-215): QAKARESGSS[Thr205Ile]AEEGDFSKGP